The following is an entry in ClinVar:

NM_015404.4(WHRN):c.2281A>G (p.Ser761Gly)

Gene: WHRN (whirlin; minus strand). Cytogenetic location: 9q32.
Variant type: single nucleotide variant.
Coding change: c.2281A>G on transcript NM_015404.4 (MANE Select); coding-DNA position 2281, A replaced by G.
Protein change: p.Ser761Gly; replaces serine 761 with glycine.
Molecular consequence: missense variant.
Genome position (GRCh38, 1-based): chr9:114,404,033, T>C on the plus strand (A>G on the coding strand, the complement: WHRN is on the minus strand). VCF-style: chr9-114404033-T-C. GRCh37 (hg19) VCF-style: chr9-117166313-T-C.
Other names: c.1132A>G, p.Ser378Gly (NM_001083885.3); c.2278A>G, p.Ser760Gly (NM_001173425.2); c.1228A>G, p.Ser410Gly (NM_001346890.1); short protein forms S378G, S410G, S760G, S761G.
Identifiers: ClinVar variation 1477311 (VCV001477311.6), dbSNP rs2132191257, ClinGen allele CA374619914.

ClinVar aggregate classification (germline): Uncertain significance (1 of 4 stars; one submission).

Submission:

Labcorp Genetics (formerly Invitae), Labcorp
Classification: Uncertain significance. Last evaluated: 2022-07-19. Review status: criteria provided, single submitter. Criteria: Invitae Variant Classification Sherloc (09022015). Collection method: clinical testing. Allele origin: germline.
Comment: In summary, the available evidence is currently insufficient to determine the role of this variant in disease. Therefore, it has been classified as a Variant of Uncertain Significance. Algorithms developed to predict the effect of missense changes on protein structure and function are either unavailable or do not agree on the potential impact of this missense change (SIFT: "Tolerated"; PolyPhen-2: "Probably Damaging"; Align-GVGD: "Class C0"). ClinVar contains an entry for this variant (Variation ID: 1477311). This variant has not been reported in the literature in individuals affected with WHRN-related conditions. This variant is not present in population databases (gnomAD no frequency). This sequence change replaces serine, which is neutral and polar, with glycine, which is neutral and non-polar, at codon 761 of the WHRN protein (p.Ser761Gly).